The following is an entry in ClinVar:

NM_001849.4(COL6A2):c.620C>G (p.Thr207Arg)

Gene: COL6A2 (collagen type VI alpha 2 chain; plus strand). Cytogenetic location: 21q22.3.
Variant type: single nucleotide variant.
Coding change: c.620C>G on transcript NM_001849.4 (MANE Select); coding-DNA position 620, C replaced by G.
Protein change: p.Thr207Arg; replaces threonine 207 with arginine.
Molecular consequence: missense variant.
Genome position (GRCh38, 1-based): chr21:46,112,483, C>G. VCF-style: chr21-46112483-C-G. GRCh37 (hg19) VCF-style: chr21-47532397-C-G.
Other names: c.620C>G, p.Thr207Arg (NM_058174.3, NM_058175.3); short protein forms T207R.
Identifiers: ClinVar variation 340362 (VCV000340362.12), dbSNP rs760395633, ClinGen allele CA10071351.

ClinVar aggregate classification (germline): Conflicting classifications of pathogenicity. Review status: criteria provided, conflicting classifications (1 of 4 stars). 3 submissions from 3 submitters: Uncertain significance (2); Likely benign (1). Last evaluated 2023-10-03.

Conditions:
Collagen 6-related myopathy. Identifiers: MedGen CN117976, MONDO:0100225.
Bethlem myopathy 1A. Also called: MYOPATHY, BENIGN CONGENITAL, WITH CONTRACTURES; Bethlem myopathy 1; Bethlem Muscular Dystrophy. Identifiers: Orphanet 610, MedGen CN029274, MONDO:0024530, OMIM 158810.

gnomAD v4.1: 8 of 1,611,318 alleles (0.0005%); highest among the groups gnomAD compares: Non-Finnish European, 0.00068%; no homozygotes.

Submissions (3):

Labcorp Genetics (formerly Invitae), Labcorp
Classification: Uncertain significance for Bethlem myopathy 1A. Last evaluated: 2023-10-03. Review status: criteria provided, single submitter. Criteria: Invitae Variant Classification Sherloc (09022015). Collection method: clinical testing. Allele origin: germline.
Comment: This sequence change replaces threonine, which is neutral and polar, with arginine, which is basic and polar, at codon 207 of the COL6A2 protein (p.Thr207Arg). This variant is present in population databases (rs760395633, gnomAD 0.003%). This variant has not been reported in the literature in individuals affected with COL6A2-related conditions. ClinVar contains an entry for this variant (Variation ID: 340362). Advanced modeling of protein sequence and biophysical properties (such as structural, functional, and spatial information, amino acid conservation, physicochemical variation, residue mobility, and thermodynamic stability) performed at Invitae indicates that this missense variant is not expected to disrupt COL6A2 protein function. In summary, the available evidence is currently insufficient to determine the role of this variant in disease. Therefore, it has been classified as a Variant of Uncertain Significance.

GeneDx
Classification: Uncertain significance. Last evaluated: 2019-04-12. Review status: criteria provided, single submitter. Criteria: GeneDx Variant Classification Process June 2021. Collection method: clinical testing. Allele origin: germline. Affected: yes.
Comment: Not observed at a significant frequency in large population cohorts (Lek et al., 2016); In silico analysis, which includes protein predictors and evolutionary conservation, supports that this variant does not alter protein structure/function; Has not been previously published as pathogenic or benign to our knowledge

Illumina Laboratory Services, Illumina
Classification: Likely benign for Collagen VI-related myopathy. Last evaluated: 2018-01-13. Review status: criteria provided, single submitter. Criteria: ICSL Variant Classification Criteria 13 December 2019. Collection method: clinical testing. Allele origin: germline.
Comment: This variant was observed in the ICSL laboratory as part of a predisposition screen in an ostensibly healthy population. It had not been previously curated by ICSL or reported in the Human Gene Mutation Database (HGMD: prior to June 1st, 2018), and was therefore a candidate for classification through an automated scoring system. Utilizing variant allele frequency, disease prevalence and penetrance estimates, and inheritance mode, an automated score was calculated to assess if this variant is too frequent to cause the disease. Based on the score and internal cut-off values, a variant classified as likely benign is not then subjected to further curation. The score for this variant resulted in a classification of likely benign for this disease.